The following is an entry in ClinVar:

ClinVar aggregate classification (germline): Likely benign (0 of 4 stars; one submission).

Conditions:
EP300-related disorder. Also called: EP300-related condition; EP300-related disorders.

gnomAD v4.1: 1 of 1,614,060 alleles (0.000062%); highest among the groups gnomAD compares: African/African-American, 0.0013%; no homozygotes.

Submission:

PreventionGenetics, part of Exact Sciences
Classification: Likely benign for EP300-related condition. Last evaluated: 2024-06-26. Review status: no assertion criteria provided. Collection method: clinical testing. Allele origin: germline.
Comment: This variant is classified as likely benign based on ACMG/AMP sequence variant interpretation guidelines (Richards et al. 2015 PMID: 25741868, with internal and published modifications).

NM_001429.4(EP300):c.2997+3G>A

Genes: EP300 (E1A binding protein p300; plus strand), LOC126863158 (BRD4-independent group 4 enhancer GRCh37_chr22:41547383-41548582; plus strand). Cytogenetic location: 22q13.2.
Variant type: single nucleotide variant.
Coding change: c.2997+3G>A on transcript NM_001429.4 (MANE Select); 3 bases into the intron after coding-DNA position 2997, G replaced by A.
Molecular consequence: intron variant.
Genome position (GRCh38, 1-based): chr22:41,152,015, G>A. VCF-style: chr22-41152015-G-A. GRCh37 (hg19) VCF-style: chr22-41548019-G-A.
Other names: c.2919+3G>A (NM_001362843.2).
Identifiers: ClinVar variation 3344853 (VCV003344853.1).